The following is an entry in ClinVar:

NM_003587.5(DHX16):c.2279T>G (p.Leu760Trp)

Gene: DHX16 (DEAH-box helicase 16; minus strand). Cytogenetic location: 6p21.33.
Variant type: single nucleotide variant.
Coding change: c.2279T>G on transcript NM_003587.5 (MANE Select); coding-DNA position 2279, T replaced by G.
Protein change: p.Leu760Trp; replaces leucine 760 with tryptophan.
Molecular consequence: missense variant.
Genome position (GRCh38, 1-based): chr6:30,656,629, A>C on the plus strand (T>G on the coding strand, the complement: DHX16 is on the minus strand). VCF-style: chr6-30656629-A-C. GRCh37 (hg19) VCF-style: chr6-30624406-A-C.
Other names: c.2099T>G, p.Leu700Trp (NM_001164239.2); c.836T>G, p.Leu279Trp (NM_001363515.2); short protein forms L279W, L700W, L760W.
Identifiers: ClinVar variation 5020294 (VCV005020294.1).
Genomic context (GRCh38, chr6:30,656,629, plus strand): 5'-TCCCTCCTCTCTCAGGTAGCCCAATCACCTAAGCTCTTGAGCAGCAACACGACATTGCCC[A>C]AGCTGGTCCTCTGGATCTCAGGCACTGTGGTTTCCTCAAGCTCGTGCTGATAGGCCCAGG-3'
Protein context (NP_003578.2, residues 750-770): TTVPEIQRTS[Leu760Trp]GNVVLLLKSL

ClinVar aggregate classification (germline): Uncertain significance (1 of 4 stars; one submission).

Submission:

Dasa
Classification: Uncertain significance. Last evaluated: 2026-06-27. Review status: criteria provided, single submitter. Criteria: DASA Assertion Criteria. Collection method: clinical testing. Allele origin: germline.
Comment: NM_003587.5(DHX16):c.2279T>G (p.Leu760Trp) is a missense variant that results in the substitution of leucine with tryptophan. This variant is absent from population databases. Computational prediction algorithms are consistent with a deleterious effect. The currently available literature and clinical evidence are not sufficient to establish a definitive association between this variant and the reported condition. Therefore, this variant is classified as a variant of uncertain significance.